The following is an entry in ClinVar:

ClinVar aggregate classification (germline): Conflicting classifications of pathogenicity. Review status: criteria provided, conflicting classifications (1 of 4 stars). 2 submissions from 2 submitters: Pathogenic (1); Uncertain significance (1). Last evaluated 2021-03-29.

Conditions:
Familial cancer of breast. Also called: hereditary breast carcinoma; Hereditary breast cancer; BREAST CANCER, FAMILIAL. Identifiers: Orphanet 227535, MedGen C0346153, MONDO:0016419, OMIM 114480. Disease mechanism: loss of function.

Submissions (2):

Labcorp Genetics (formerly Invitae), Labcorp
Classification: Uncertain significance for Familial cancer of breast. Last evaluated: 2021-03-29. Review status: criteria provided, single submitter. Criteria: Invitae Variant Classification Sherloc (09022015). Collection method: clinical testing. Allele origin: germline.
Comment: In summary, the available evidence is currently insufficient to determine the role of this variant in disease. Therefore, it has been classified as a Variant of Uncertain Significance. Algorithms developed to predict the effect of missense changes on protein structure and function are either unavailable or do not agree on the potential impact of this missense change (SIFT: "Deleterious"; PolyPhen-2: "Possibly Damaging"; Align-GVGD: "Class C0"). This variant has been observed in individual(s) with pancreatic cancer (PMID: 31871297). ClinVar contains an entry for this variant (Variation ID: 973771). This variant is not present in population databases (ExAC no frequency). This sequence change replaces valine with alanine at codon 200 of the CHEK2 protein (p.Val200Ala). The valine residue is highly conserved and there is a small physicochemical difference between valine and alanine.

Division of Medical Genetics, University of Washington
Classification: Pathogenic for Familial cancer of breast. Last evaluated: 2019-04-15. Review status: criteria provided, single submitter. Criteria: ACMG Guidelines, 2015. Collection method: clinical testing. Allele origin: germline. Affected: no. Study: CSER_CHARM.
Comment: The c.599T>C variant has been reported in the literature in large meta-analysis studies to result in an increased risk for breast cancer and colon cancer (OR ~1.5) (Liu 2012, Liu 2012, Han 2013). The c.599T>C variant has been reported in families with variable penetrance and incomplete segregation with disease (Roeb 2012). The c.599T>C variant has an overall allele frequency of 0.00154 in the Broad Institute ExAC Browser, and is more common in individuals from Poland and Finland (Desrichard 2011, Lek 2016). Thus, this variant is interpreted as pathogenic, low-penetrance.

Literature cited by the submitters: PubMed 31871297 (cited by Labcorp Genetics (formerly Invitae), Labcorp).

NM_007194.4(CHEK2):c.599T>C (p.Val200Ala)

Gene: CHEK2 (checkpoint kinase 2; minus strand). Cytogenetic location: 22q12.1.
Variant type: single nucleotide variant.
Coding change: c.599T>C on transcript NM_007194.4 (MANE Select); coding-DNA position 599, T replaced by C.
Protein change: p.Val200Ala; replaces valine 200 with alanine.
Molecular consequence: missense variant. On other transcripts: 5 prime UTR variant (2), intron variant (1).
Genome position (GRCh38, 1-based): chr22:28,719,479, A>G on the plus strand (T>C on the coding strand, the complement: CHEK2 is on the minus strand). VCF-style: chr22-28719479-A-G. GRCh37 (hg19) VCF-style: chr22-29115467-A-G.
Other names: c.728T>C, p.Val243Ala (NM_001005735.3, NM_001438294.1); c.-65T>C (NM_001257387.3, NM_001437942.1); c.692T>C, p.Val231Ala (NM_001438293.1, NM_001438295.1); c.599T>C, p.Val200Ala (NM_145862.3); c.482+5407T>C (NM_001349956.3); short protein forms V200A, V243A, V231A.
Identifiers: ClinVar variation 973771 (VCV000973771.10), dbSNP rs2053696720, ClinGen allele CA411105146.